The following is an entry in ClinVar:

NM_006766.5(KAT6A):c.709+6T>C

Gene: KAT6A (lysine acetyltransferase 6A; minus strand). Cytogenetic location: 8p11.21.
Variant type: single nucleotide variant.
Coding change: c.709+6T>C on transcript NM_006766.5 (MANE Select); 6 bases into the intron after coding-DNA position 709, T replaced by C.
Molecular consequence: intron variant.
Genome position (GRCh38, 1-based): chr8:41,987,449, A>G on the plus strand (T>C on the coding strand, the complement: KAT6A is on the minus strand). VCF-style: chr8-41987449-A-G. GRCh37 (hg19) VCF-style: chr8-41844967-A-G.
Other names: c.709+6T>C (NM_001305878.2).
Identifiers: ClinVar variation 3714767 (VCV003714767.2).

ClinVar aggregate classification (germline): Uncertain significance (1 of 4 stars; one submission).

Submission:

Labcorp Genetics (formerly Invitae), Labcorp
Classification: Uncertain significance. Last evaluated: 2024-08-04. Review status: criteria provided, single submitter. Criteria: Invitae Variant Classification Sherloc (09022015). Collection method: clinical testing. Allele origin: germline.
Comment: This sequence change falls in intron 3 of the KAT6A gene. It does not directly change the encoded amino acid sequence of the KAT6A protein. It affects a nucleotide within the consensus splice site. This variant is present in population databases (rs368089284, gnomAD 0.02%). This variant has not been reported in the literature in individuals affected with KAT6A-related conditions. Variants that disrupt the consensus splice site are a relatively common cause of aberrant splicing (PMID: 17576681, 9536098). Algorithms developed to predict the effect of sequence changes on RNA splicing suggest that this variant is not likely to affect RNA splicing. In summary, the available evidence is currently insufficient to determine the role of this variant in disease. Therefore, it has been classified as a Variant of Uncertain Significance.

Literature cited by the submitters: PubMed 17576681; PubMed 9536098.